The following is an entry in ClinVar:

ClinVar aggregate classification (germline): Benign. Review status: criteria provided, multiple submitters, no conflicts (2 of 4 stars). 2 submissions from 2 submitters: Benign (2). Last evaluated 2018-01-13.

Conditions:
Medium-chain acyl-coenzyme A dehydrogenase deficiency (ACADMD). Also called: ACADM DEFICIENCY; CARNITINE DEFICIENCY SECONDARY TO MEDIUM-CHAIN ACYL-CoA DEHYDROGENASE DEFICIENCY; MCADH DEFICIENCY; MCADD; Medium chain acyl-CoA dehydrogenase deficiency; MCAD Deficiency. Identifiers: Orphanet 42, MedGen C0220710, MONDO:0008721, OMIM 201450.

Allele frequency attached by ClinVar (database versions not stated): 1000 Genomes Project 0.09824; 1000 Genomes Project 30x 0.10181; TOPMed 0.13725; gnomAD 0.14372 and 0.14503.

Submissions (2):

Illumina Laboratory Services, Illumina
Classification: Benign for Medium-chain acyl-coenzyme A dehydrogenase deficiency. Last evaluated: 2018-01-13. Review status: criteria provided, single submitter. Criteria: ICSL Variant Classification Criteria 13 December 2019. Collection method: clinical testing. Allele origin: germline.
Comment: This variant was observed in the ICSL laboratory as part of a predisposition screen in an ostensibly healthy population. It had not been previously curated by ICSL or reported in the Human Gene Mutation Database (HGMD: prior to June 1st, 2018), and was therefore a candidate for classification through an automated scoring system. Utilizing variant allele frequency, disease prevalence and penetrance estimates, and inheritance mode, an automated score was calculated to assess if this variant is too frequent to cause the disease. Based on the score and internal cut-off values, a variant classified as benign is not then subjected to further curation. The score for this variant resulted in a classification of benign for this disease.

Breakthrough Genomics
Classification: Benign. Review status: criteria provided, single submitter. Criteria: ACMG Guidelines, 2015. Collection method: not provided. Allele origin: germline. Inheritance: Autosomal recessive inheritance. Affected: yes.

NM_000016.6(ACADM):c.*672T>C

Gene: ACADM (acyl-CoA dehydrogenase medium chain; plus strand). Cytogenetic location: 1p31.1.
Variant type: single nucleotide variant.
Coding change: c.*672T>C on transcript NM_000016.6 (MANE Select); 672 bases downstream of the stop codon, T replaced by C.
Molecular consequence: 3 prime UTR variant.
Genome position (GRCh38, 1-based): chr1:75,763,435, T>C. VCF-style: chr1-75763435-T-C. GRCh37 (hg19) VCF-style: chr1-76229120-T-C.
Other names: c.*672T>C (NM_001127328.3, NM_001286042.2, NM_001286043.2 and 1 more transcripts).
Identifiers: ClinVar variation 298078 (VCV000298078.6), dbSNP rs8763, ClinGen allele CA10610749.